The following is an entry in ClinVar:

ClinVar aggregate classification (germline): Uncertain significance (1 of 4 stars; one submission).

Conditions:
Ehlers-Danlos syndrome, classic type, 1 (EDSCL1). Also called: EHLERS-DANLOS SYNDROME, GRAVIS TYPE; EHLERS-DANLOS SYNDROME, SEVERE CLASSIC TYPE; Ehlers-Danlos syndrome, type 1; Ehlers-Danlos Syndrome, Classic Type, COL5A1-Related; EDS I. Identifiers: MedGen C0268335, MONDO:0019567, OMIM 130000.

Submission:

Labcorp Genetics (formerly Invitae), Labcorp
Classification: Uncertain significance for Ehlers-Danlos syndrome, classic type, 1. Last evaluated: 2024-02-09. Review status: criteria provided, single submitter. Criteria: Invitae Variant Classification Sherloc (09022015). Collection method: clinical testing. Allele origin: germline.
Comment: This sequence change replaces glycine, which is neutral and non-polar, with aspartic acid, which is acidic and polar, at codon 1240 of the COL5A1 protein (p.Gly1240Asp). This variant is not present in population databases (gnomAD no frequency). This variant has not been reported in the literature in individuals affected with COL5A1-related conditions. Advanced modeling of protein sequence and biophysical properties (such as structural, functional, and spatial information, amino acid conservation, physicochemical variation, residue mobility, and thermodynamic stability) performed at Invitae indicates that this missense variant is expected to disrupt COL5A1 protein function with a positive predictive value of 80%. In summary, the available evidence is currently insufficient to determine the role of this variant in disease. Therefore, it has been classified as a Variant of Uncertain Significance.

NM_000093.5(COL5A1):c.3719G>A (p.Gly1240Asp)

Gene: COL5A1 (collagen type V alpha 1 chain; plus strand). Cytogenetic location: 9q34.3.
Variant type: single nucleotide variant.
Coding change: c.3719G>A on transcript NM_000093.5 (MANE Select); coding-DNA position 3719, G replaced by A.
Protein change: p.Gly1240Asp; replaces glycine 1240 with aspartic acid.
Molecular consequence: missense variant.
Genome position (GRCh38, 1-based): chr9:134,812,477, G>A. VCF-style: chr9-134812477-G-A. GRCh37 (hg19) VCF-style: chr9-137704323-G-A.
Other names: c.3719G>A, p.Gly1240Asp (NM_001278074.1); short protein forms G1240D.
Identifiers: ClinVar variation 3673567 (VCV003673567.2).